The following is an entry in ClinVar:

ClinVar aggregate classification (germline): Uncertain significance (1 of 4 stars; one submission).

Conditions:
Hereditary cancer-predisposing syndrome. Also called: Neoplastic Syndromes, Hereditary; Tumor predisposition; Hereditary neoplastic syndrome; Hereditary Cancer Syndrome. Identifiers: Orphanet 140162, MedGen C0027672, MeSH D009386, MONDO:0015356.

Submission:

Ambry Genetics
Classification: Uncertain significance for Hereditary cancer-predisposing syndrome. Last evaluated: 2026-06-27. Review status: criteria provided, single submitter. Criteria: Ambry Variant Classification Scheme 2023. Collection method: clinical testing. Allele origin: germline.
Comment: The p.H635Q variant (also known as c.1905T>A), located in coding exon 6 of the AXIN2 gene, results from a T to A substitution at nucleotide position 1905. The histidine at codon 635 is replaced by glutamine, an amino acid with highly similar properties. This amino acid position is conserved. In addition, this alteration is predicted to be tolerated by in silico analysis. Based on the available evidence, the clinical significance of this variant remains unclear.

NM_004655.4(AXIN2):c.1905T>A (p.His635Gln)

Gene: AXIN2 (axin 2; minus strand). Cytogenetic location: 17q24.1.
Variant type: single nucleotide variant.
Coding change: c.1905T>A on transcript NM_004655.4 (MANE Select); coding-DNA position 1905, T replaced by A.
Protein change: p.His635Gln; replaces histidine 635 with glutamine.
Molecular consequence: missense variant. On other transcripts: intron variant (1).
Genome position (GRCh38, 1-based): chr17:65,536,871, A>T on the plus strand (T>A on the coding strand, the complement: AXIN2 is on the minus strand). VCF-style: chr17-65536871-A-T. GRCh37 (hg19) VCF-style: chr17-63532989-A-T.
Other names: c.1713-318T>A (NM_001363813.1); short protein forms H635Q.
Identifiers: ClinVar variation 5032520 (VCV005032520.1).